The following is an entry in ClinVar:

NM_015340.4(LARS2):c.945G>A (p.Ser315=)

Gene: LARS2 (leucyl-tRNA synthetase 2, mitochondrial; plus strand). Cytogenetic location: 3p21.31.
Variant type: single nucleotide variant.
Coding change: c.945G>A on transcript NM_015340.4 (MANE Select); coding-DNA position 945, G replaced by A.
Protein change: p.Ser315=; no amino-acid change (serine 315 retained).
Molecular consequence: synonymous variant.
Genome position (GRCh38, 1-based): chr3:45,476,554, G>A. VCF-style: chr3-45476554-G-A. GRCh37 (hg19) VCF-style: chr3-45518046-G-A.
Other names: c.945G>A, p.Ser315= (NM_001368263.1).
Identifiers: ClinVar variation 227493 (VCV000227493.48), dbSNP rs145135580, ClinGen allele CA2349459.
Genomic context (GRCh38, chr3:45,476,554, plus strand): 5'-GCTGACTGCCTATACGGCCACCCCTGAAGCCATTTATGGCACCTCCCACGTGGCCATCTC[G>A]CCCAGCCACAGACTCCTACATGGGCACAGCTCTCTGAAGGAAGCCTTGAGGATGGCCCTT-3'
Protein context (NP_056155.1, residues 305-325): AIYGTSHVAI[Ser315=]PSHRLLHGHS

ClinVar aggregate classification (germline): Benign/Likely benign. Review status: criteria provided, multiple submitters, no conflicts (2 of 4 stars). 7 submissions from 7 submitters: Benign (1); Likely benign (5). 1 of the submissions does not count toward it. Last evaluated 2026-09-01.

Allele frequency attached by ClinVar (database versions not stated): 1000 Genomes Project 30x 0.00062; 1000 Genomes Project 0.00080; TOPMed 0.00104.
gnomAD v4.1: 1,997 of 1,614,022 alleles (0.12%); highest among the groups gnomAD compares: Admixed American, 0.23%; 6 homozygotes.

Submissions (7):

CeGaT Center for Human Genetics Tuebingen
Classification: Likely benign. Last evaluated: 2026-09-01. Review status: criteria provided, single submitter. Criteria: CeGaT Center For Human Genetics Tuebingen Variant Classification Criteria Version 2. Collection method: clinical testing. Allele origin: germline. Affected: yes. Observed: 7 variant alleles.
Comment: LARS2: BP4, BP7

Labcorp Genetics (formerly Invitae), Labcorp
Classification: Likely benign. Last evaluated: 2026-01-27. Review status: criteria provided, single submitter. Criteria: Invitae Variant Classification Sherloc (09022015). Collection method: clinical testing. Allele origin: germline.

Blueprint Genetics
Classification: Likely benign. Last evaluated: 2024-09-19. Review status: criteria provided, single submitter. Criteria: ACMG Guidelines, 2015. Collection method: clinical testing. Allele origin: germline.

ARUP Laboratories, Molecular Genetics and Genomics, ARUP Laboratories
Classification: Benign. Last evaluated: 2023-11-07. Review status: criteria provided, single submitter. Criteria: ARUP Molecular Germline Variant Investigation Process 2024. Collection method: clinical testing. Allele origin: germline.

GeneDx
Classification: Likely benign. Last evaluated: 2020-11-23. Review status: criteria provided, single submitter. Criteria: GeneDx Variant Classification Process June 2021. Collection method: clinical testing. Allele origin: germline. Affected: yes.

Laboratory for Molecular Medicine, Mass General Brigham Personalized Medicine
Classification: Likely benign. Last evaluated: 2015-07-31. Review status: criteria provided, single submitter. Criteria: LMM Criteria. Collection method: clinical testing. Allele origin: germline. Observed: 5 variant alleles.
Comment: p.Ser315Ser in exon 10 of LARS2: This variant is not expected to have clinical s ignificance because it does not alter an amino acid residue and is not located w ithin the splice consensus sequence. It has been identified in 0.17% (20/11556) of Latino chromosomes by the Exome Aggregation Consortium (ExAC; dbSNP rs145135580).

Mayo Clinic Laboratories, Mayo Clinic
Classification: Likely benign. Last evaluated: 2018-01-03. Review status: no assertion criteria provided. Collection method: clinical testing. Allele origin: unknown. Not counted in ClinVar's aggregate classification.